The following is an entry in ClinVar:

ClinVar aggregate classification (germline): Uncertain significance (1 of 4 stars; one submission).

Conditions:
Catecholaminergic polymorphic ventricular tachycardia 1. Also called: RYR2-Related Catecholaminergic Polymorphic Ventricular Tachycardia; VENTRICULAR TACHYCARDIA, CATECHOLAMINERGIC POLYMORPHIC, 1, WITH OR WITHOUT ATRIAL DYSFUNCTION AND/OR DILATED CARDIOMYOPATHY; VENTRICULAR TACHYCARDIA, STRESS-INDUCED POLYMORPHIC 1. Identifiers: Orphanet 3286, MedGen C1631597, MONDO:0011484, OMIM 604772.

Submission:

Labcorp Genetics (formerly Invitae), Labcorp
Classification: Uncertain significance for Catecholaminergic polymorphic ventricular tachycardia 1. Last evaluated: 2022-04-19. Review status: criteria provided, single submitter. Criteria: Invitae Variant Classification Sherloc (09022015). Collection method: clinical testing. Allele origin: germline.
Comment: This sequence change replaces isoleucine, which is neutral and non-polar, with methionine, which is neutral and non-polar, at codon 84 of the TRDN protein (p.Ile84Met). This variant is not present in population databases (gnomAD no frequency). This variant has not been reported in the literature in individuals affected with TRDN-related conditions. Algorithms developed to predict the effect of missense changes on protein structure and function are either unavailable or do not agree on the potential impact of this missense change (SIFT: "Tolerated"; PolyPhen-2: "Not Available"; Align-GVGD: "Class C0"). In summary, the available evidence is currently insufficient to determine the role of this variant in disease. Therefore, it has been classified as a Variant of Uncertain Significance.

NM_006073.4(TRDN):c.252T>G (p.Ile84Met)

Gene: TRDN (triadin; minus strand). Cytogenetic location: 6q22.31.
Variant type: single nucleotide variant.
Coding change: c.252T>G on transcript NM_006073.4 (MANE Select); coding-DNA position 252, T replaced by G.
Protein change: p.Ile84Met; replaces isoleucine 84 with methionine.
Molecular consequence: missense variant.
Genome position (GRCh38, 1-based): chr6:123,548,593, A>C on the plus strand (T>G on the coding strand, the complement: TRDN is on the minus strand). VCF-style: chr6-123548593-A-C. GRCh37 (hg19) VCF-style: chr6-123869738-A-C.
Other names: c.252T>G, p.Ile84Met (NM_001251987.2, NM_001256020.2, NM_001256021.2 and 2 more transcripts); short protein forms I84M.
Identifiers: ClinVar variation 1973190 (VCV001973190.5), dbSNP rs1781233344, ClinGen allele CA365568953.